The following is an entry in ClinVar:

ClinVar aggregate classification (germline): Pathogenic. Review status: criteria provided, multiple submitters, no conflicts (2 of 4 stars). 2 submissions from 2 submitters: Pathogenic (2). Last evaluated 2024-07-23.

Conditions:
Premature ovarian failure 10 (POF10). Identifiers: MedGen C4225402, MONDO:0044776, OMIM 612885.

Submissions (2):

Revvity Omics, Revvity
Classification: Pathogenic for Premature ovarian failure 10. Last evaluated: 2024-07-23. Review status: criteria provided, single submitter. Criteria: ACMG Guidelines, 2015. Collection method: clinical testing. Allele origin: germline.

Labcorp Genetics (formerly Invitae), Labcorp
Classification: Pathogenic. Last evaluated: 2022-06-27. Review status: criteria provided, single submitter. Criteria: Invitae Variant Classification Sherloc (09022015). Collection method: clinical testing. Allele origin: germline.
Comment: This sequence change creates a premature translational stop signal (p.Lys118Glufs*5) in the MCM8 gene. It is expected to result in an absent or disrupted protein product. Loss-of-function variants in MCM8 are known to be pathogenic (PMID: 22771120, 25873734, 31042289). This variant is present in population databases (rs762416121, gnomAD 0.01%). This premature translational stop signal has been observed in individual(s) with premature ovarian insufficiency (PMID: 32048466). For these reasons, this variant has been classified as Pathogenic.

Literature cited by the submitters: PubMed 22771120 (cited by Labcorp Genetics (formerly Invitae), Labcorp); PubMed 25873734 (cited by Labcorp Genetics (formerly Invitae), Labcorp); PubMed 31042289 (cited by Labcorp Genetics (formerly Invitae), Labcorp); PubMed 32048466 (cited by Labcorp Genetics (formerly Invitae), Labcorp).

NM_032485.6(MCM8):c.351_354del (p.Lys118fs)

Gene: MCM8 (minichromosome maintenance 8 homologous recombination repair factor; plus strand). Cytogenetic location: 20p12.3.
Variant type: Microsatellite.
Coding change: c.351_354del on transcript NM_032485.6 (MANE Select); coding-DNA positions 351 to 354, 4 bases deleted (AAAG; older notation c.351_354delAAAG).
Protein change: p.Lys118fs; shifts the reading frame from lysine 118.
Molecular consequence: frameshift variant.
Genome position (GRCh38, 1-based): chr20:5,955,116-5,955,119, AAAG deleted; deleting any 4 consecutive bases within chr20:5,955,110-5,955,119 gives the same sequence; the c. name uses the placement nearest the transcript's 3' end. VCF-style (leftmost placement, unchanged base first): chr20-5955109-TAGAA-T. GRCh37 (hg19) VCF-style: chr20-5935755-TAGAA-T.
Other names: c.351_354del, p.Lys118fs (NM_001281520.2, NM_001281521.2, NM_001281522.2 and 1 more transcripts); short protein forms K118fs.
Identifiers: ClinVar variation 2172278 (VCV002172278.2), dbSNP rs762416121, ClinGen allele CA9756461.